The following is an entry in ClinVar:

ClinVar aggregate classification (germline): Pathogenic (1 of 4 stars; one submission).

Conditions:
Polycystic kidney disease 4 (PKD4). Also called: POLYCYSTIC KIDNEY DISEASE 4 WITH OR WITHOUT POLYCYSTIC LIVER DISEASE; POLYCYSTIC KIDNEY AND HEPATIC DISEASE 1; POLYCYSTIC KIDNEY DISEASE, INFANTILE, TYPE I; PKD3; Autosomal Recessive Polycystic Kidney Disease – PKHD1. Identifiers: MedGen C4540575, MONDO:0033004, OMIM 263200.

Submission:

Victorian Clinical Genetics Services, Murdoch Childrens Research Institute
Classification: Pathogenic for Polycystic kidney disease 4. Last evaluated: 2024-10-31. Review status: criteria provided, single submitter. Criteria: ACMG Guidelines, 2015. Collection method: clinical testing. Allele origin: germline.
Comment: This variant is classified as Pathogenic. Evidence in support of pathogenic classification: Variant is predicted to cause nonsense-mediated decay (NMD) and loss of protein (premature termination codon is located at least 54 nucleotides upstream of the final exon-exon junction); Variant is present in gnomAD <0.01 for a recessive condition (v4: 4 heterozygotes, 0 homozygotes); Other NMD-predicted variants comparable to the one identified in this case have very strong previous evidence for pathogenicity (DECIPHER). Additional information: This variant is heterozygous; This gene is associated with autosomal recessive disease; however, there are emerging reports of heterozygous carriers of PKHD1 variants developing liver cysts and nephrocalcinosis (PMID: 21945273, 36691356); This variant has no previous evidence of pathogenicity; Loss of function is a known mechanism of disease in this gene and is associated with polycystic kidney disease 4, with or without hepatic disease (MIM#263200); Variants in this gene are known to have variable expressivity. Significant intrafamilial variability has been reported (PMID: 20301501).

Literature cited by the submitters: PubMed 20301501; PubMed 36691356; PubMed 21945273.

NM_138694.4(PKHD1):c.9471del (p.Met3158fs)

Gene: PKHD1 (PKHD1 ciliary IPT domain containing fibrocystin/polyductin; minus strand). Cytogenetic location: 6p12.3.
Variant type: Deletion.
Coding change: c.9471del on transcript NM_138694.4 (MANE Select); coding-DNA position 9471, one base deleted (C; older notation c.9471delC).
Protein change: p.Met3158fs; shifts the reading frame from methionine 3158.
Molecular consequence: frameshift variant.
Genome position (GRCh38, 1-based): chr6:51,748,145, G deleted on the plus strand (C on the coding strand, the reverse complement: PKHD1 is on the minus strand); the first of 2 consecutive G bases (chr6:51,748,145-51,748,146); deleting either gives the same sequence. VCF-style (leftmost placement, unchanged base first): chr6-51748144-TG-T. GRCh37 (hg19) VCF-style: chr6-51612942-TG-T.
Other names: c.9471del, p.Met3158fs (NM_170724.3); short protein forms M3158fs.
Identifiers: ClinVar variation 4532032 (VCV004532032.1).
Genomic context (GRCh38, chr6:51,748,144, plus strand): 5'-CAATAGTATTGTCTACCAGAGTAATGTTCTCTATCTCCACGCTGTTCTCTACATGTAACA[TG>T]GCACCATAGTCAAAGTTCTTGAAAGCCAAGAAGCCAGAGATTCTGGTACAGTTGTCAAGT-3'